The following is an entry in ClinVar:

ClinVar aggregate classification (germline): Benign/Likely benign. Review status: criteria provided, multiple submitters, no conflicts (2 of 4 stars). 3 submissions from 3 submitters: Benign (2); Likely benign (1). Last evaluated 2025-06-04.

Allele frequency attached by ClinVar (database versions not stated): gnomAD 0.00002 and 0.00057; TOPMed 0.00005; gnomAD exomes 0.00043 and 0.00149; 1000 Genomes Project 30x 0.00172; ExAC 0.00175; 1000 Genomes Project 0.00200.

Submissions (3):

Labcorp Genetics (formerly Invitae), Labcorp
Classification: Benign. Last evaluated: 2025-06-04. Review status: criteria provided, single submitter. Criteria: Invitae Variant Classification Sherloc (09022015). Collection method: clinical testing. Allele origin: germline.

CeGaT Center for Human Genetics Tuebingen
Classification: Likely benign. Last evaluated: 2025-05-01. Review status: criteria provided, single submitter. Criteria: CeGaT Center For Human Genetics Tuebingen Variant Classification Criteria Version 2. Collection method: clinical testing. Allele origin: germline. Affected: yes. Observed: 2 variant alleles.
Comment: ISCU: BS2

Breakthrough Genomics
Classification: Benign. Review status: criteria provided, single submitter. Criteria: ACMG Guidelines, 2015. Collection method: not provided. Allele origin: germline. Inheritance: Autosomal recessive inheritance. Affected: yes.

NM_213595.4(ISCU):c.110A>G (p.Lys37Arg)

Genes: ISCU (iron-sulfur cluster assembly enzyme; plus strand), LOC130008688 (ATAC-STARR-seq lymphoblastoid silent region 4828; plus strand). Cytogenetic location: 12q23.3.
Variant type: single nucleotide variant.
Coding change: c.110A>G on transcript NM_213595.4 (MANE Select); coding-DNA position 110, A replaced by G.
Protein change: p.Lys37Arg; replaces lysine 37 with arginine.
Molecular consequence: missense variant. On other transcripts: 5 prime UTR variant (1), non-coding transcript variant (1).
Genome position (GRCh38, 1-based): chr12:108,562,732, A>G. VCF-style: chr12-108562732-A-G. GRCh37 (hg19) VCF-style: chr12-108956508-A-G.
Other names: c.110A>G, p.Lys37Arg (NM_001301140.1, NM_001301141.1, NM_001320042.1); c.-62A>G (NM_014301.4); short protein forms K37R.
Identifiers: ClinVar variation 1600022 (VCV001600022.25), dbSNP rs537876845, ClinGen allele CA6768720.
Genomic context (GRCh38, chr12:108,562,732, plus strand): 5'-TGCTGCGGAGCCCCCGCCTGCCCGCCCGGGAGCTGTCGGCCCCGGCCCGACTCTATCACA[A>G]GAAGGTAGGGACAAAAGAGGGACGCGCGGAATGCCGACTCAGCGGAGGCCTGGGCTGGAG-3'
Protein context (NP_998760.1, residues 27-47): ELSAPARLYH[Lys37Arg]KVVDHYENPR